The following is an entry in ClinVar:

NM_006397.3(RNASEH2A):c.605T>C (p.Leu202Ser)

Gene: RNASEH2A (ribonuclease H2 subunit A; plus strand). Cytogenetic location: 19p13.13.
Variant type: single nucleotide variant.
Coding change: c.605T>C on transcript NM_006397.3 (MANE Select); coding-DNA position 605, T replaced by C.
Protein change: p.Leu202Ser; replaces leucine 202 with serine.
Molecular consequence: missense variant.
Genome position (GRCh38, 1-based): chr19:12,810,372, T>C. VCF-style: chr19-12810372-T-C. GRCh37 (hg19) VCF-style: chr19-12921186-T-C.
Other names: short protein forms L202S.
Identifiers: ClinVar variation 259974 (VCV000259974.26), dbSNP rs7247284, ClinGen allele CA9231969.
Genomic context (GRCh38, chr19:12,810,372, plus strand): 5'-CACAGGTGGCCCGGGACCAGGCCGTGAAGAAATGGCAGTTCGTGGAGAAACTGCAGGACT[T>C]GGATACTGATTATGGCTCAGGCTACCCCAATGGTGAGCAGACACGTGACCATGGTACTAA-3'
Protein context (NP_006388.2, residues 192-212): KWQFVEKLQD[Leu202Ser]DTDYGSGYPN

ClinVar aggregate classification (germline): Benign/Likely benign. Review status: criteria provided, multiple submitters, no conflicts (2 of 4 stars). 10 submissions from 10 submitters: Benign (8); Likely benign (2). Last evaluated 2026-02-04.

Conditions:
Aicardi-Goutieres syndrome 4. Identifiers: Orphanet 51, MedGen C1835912, MONDO:0012472, OMIM 610333.

Allele frequency attached by ClinVar (database versions not stated): gnomAD exomes 0.03654 and 0.04738; ExAC 0.04656; 1000 Genomes Project 0.06270; gnomAD 0.06662 and 0.06918; 1000 Genomes Project 30x 0.06871; ESP Exome Variant Server 0.06889; TOPMed 0.07420.

Submissions (10):

Labcorp Genetics (formerly Invitae), Labcorp
Classification: Benign for Aicardi-Goutieres syndrome 4. Last evaluated: 2026-02-04. Review status: criteria provided, single submitter. Criteria: Invitae Variant Classification Sherloc (09022015). Collection method: clinical testing. Allele origin: germline.

Women's Health and Genetics/Laboratory Corporation of America, LabCorp
Classification: Likely benign. Last evaluated: 2026-01-21. Review status: criteria provided, single submitter. Criteria: LabCorp Variant Classification Summary - May 2015. Collection method: clinical testing. Allele origin: germline.

Blueprint Genetics
Classification: Likely benign. Last evaluated: 2024-11-28. Review status: criteria provided, single submitter. Criteria: ACMG Guidelines, 2015. Collection method: clinical testing. Allele origin: germline.

Unidad de Genómica Garrahan, Hospital de Pediatría Garrahan
Classification: Benign. Last evaluated: 2023-11-12. Review status: criteria provided, single submitter. Criteria: ACMG Guidelines, 2015. Collection method: clinical testing. Allele origin: germline. Affected: no. Observed: 19 variant alleles.
Comment: This variant is classified as Benign based on local population frequency. This variant was detected in 20% of patients studied by a panel of primary immunodeficiencies. Number of patients: 19. Only high quality variants are reported.

Mayo Clinic Laboratories, Mayo Clinic
Classification: Benign. Last evaluated: 2022-09-06. Review status: criteria provided, single submitter. Criteria: ACMG Guidelines, 2015. Collection method: clinical testing. Allele origin: germline. Observed: 59 variant alleles.

Illumina Laboratory Services, Illumina
Classification: Benign for Aicardi-Goutieres syndrome 4. Last evaluated: 2018-01-13. Review status: criteria provided, single submitter. Criteria: ICSL Variant Classification Criteria 13 December 2019. Collection method: clinical testing. Allele origin: germline.
Comment: This variant was observed in the ICSL laboratory as part of a predisposition screen in an ostensibly healthy population. It had not been previously curated by ICSL or reported in the Human Gene Mutation Database (HGMD: prior to June 1st, 2018), and was therefore a candidate for classification through an automated scoring system. Utilizing variant allele frequency, disease prevalence and penetrance estimates, and inheritance mode, an automated score was calculated to assess if this variant is too frequent to cause the disease. Based on the score and internal cut-off values, a variant classified as benign is not then subjected to further curation. The score for this variant resulted in a classification of benign for this disease.

Laboratory for Molecular Medicine, Mass General Brigham Personalized Medicine
Classification: Benign. Last evaluated: 2016-03-29. Review status: criteria provided, single submitter. Criteria: LMM Criteria. Collection method: clinical testing. Allele origin: germline.
Comment: Variant identified in a genome or exome case(s) and assessed due to predicted null impact of the variant or pathogenic assertions in the literature or databases. Disclaimer: This variant has not undergone full assessment. The following are preliminary notes: Frequency

GeneDx
Classification: Benign. Last evaluated: 2015-03-03. Review status: criteria provided, single submitter. Criteria: GeneDx Variant Classification Process June 2021. Collection method: clinical testing. Allele origin: germline. Affected: yes.

Breakthrough Genomics
Classification: Benign. Review status: criteria provided, single submitter. Criteria: ACMG Guidelines, 2015. Collection method: not provided. Allele origin: germline. Inheritance: Autosomal recessive inheritance. Affected: yes.

PreventionGenetics, part of Exact Sciences
Classification: Benign. Review status: criteria provided, single submitter. Criteria: ACMG Guidelines, 2015. Collection method: clinical testing. Allele origin: germline.